The following is an entry in ClinVar:

ClinVar aggregate classification (germline): Likely pathogenic (1 of 4 stars; one submission).

Conditions:
Stuve-Wiedemann syndrome (STWS). Also called: Stüve-Wiedemann syndrome. Identifiers: Orphanet 3206, MedGen C0796176, MONDO:0031280.

Submission:

Natera, Inc.
Classification: Likely pathogenic for Stuve-Wiedemann syndrome. Last evaluated: 2024-07-25. Review status: criteria provided, single submitter. Criteria: Natera Variant Classification Schema (03/2026). Collection method: clinical testing. Allele origin: germline.
Comment: The c.165_167del variant in LIFR is an in-frame deletion. This variant is expected to result in nonsense mediated decay, truncation, or a dysfunctional protein product. This variant is rare in the general population with a frequency below the threshold expected for the associated phenotype(s). Given the available evidence, this variant is classified as Likely Pathogenic.

NM_001127671.2(LIFR):c.165_167del (p.Cys55_Val56delinsTer)

Gene: LIFR (LIF receptor subunit alpha; minus strand). Cytogenetic location: 5p13.1.
Variant type: Deletion.
Coding change: c.165_167del on transcript NM_001127671.2 (MANE Select); coding-DNA positions 165 to 167, 3 bases deleted (TGT; older notation c.165_167delTGT).
Protein change: p.Cys55_Val56delinsTer.
Molecular consequence: nonsense.
Genome position (GRCh38, 1-based): chr5:38,528,816-38,528,818, ACA deleted on the plus strand (TGT on the coding strand, the reverse complement: LIFR is on the minus strand). VCF-style (leftmost placement, unchanged base first): chr5-38528815-TACA-T. GRCh37 (hg19) VCF-style: chr5-38528917-TACA-T.
Other names: c.165_167del, p.Cys55_Val56delinsTer (NM_001364297.2, NM_001364298.2, NM_002310.6).
Identifiers: ClinVar variation 4815016 (VCV004815016.1).